The following is an entry in ClinVar:

ClinVar aggregate classification (germline): Uncertain significance (1 of 4 stars; one submission).

Submission:

Women's Health and Genetics/Laboratory Corporation of America, LabCorp
Classification: Uncertain significance. Last evaluated: 2026-04-22. Review status: criteria provided, single submitter. Criteria: LabCorp Variant Classification Summary - May 2015. Collection method: clinical testing. Allele origin: germline.
Comment: Variant summary: HCN4 c.2857G>A (p.Gly953Arg) results in a non-conservative amino acid change in the encoded protein sequence. Algorithms developed to predict the effect of missense changes on protein structure and function are either unavailable or do not agree on the potential impact of this missense change. The variant was absent in 180914 control chromosomes. The available data on variant occurrences in the general population are insufficient to allow any conclusion about variant significance. To our knowledge, no occurrence of c.2857G>A in individuals affected with HCN4-related conditions and no experimental evidence demonstrating its impact on protein function have been reported. No submitters have cited clinical-significance assessments for this variant to ClinVar. Based on the evidence outlined above, the variant was classified as uncertain significance.

NM_005477.3(HCN4):c.2857G>A (p.Gly953Arg)

Gene: HCN4 (hyperpolarization activated cyclic nucleotide gated potassium channel 4; minus strand). Cytogenetic location: 15q24.1.
Variant type: single nucleotide variant.
Coding change: c.2857G>A on transcript NM_005477.3 (MANE Select); coding-DNA position 2857, G replaced by A.
Protein change: p.Gly953Arg; replaces glycine 953 with arginine.
Molecular consequence: missense variant.
Genome position (GRCh38, 1-based): chr15:73,323,236, C>T on the plus strand (G>A on the coding strand, the complement: HCN4 is on the minus strand). VCF-style: chr15-73323236-C-T. GRCh37 (hg19) VCF-style: chr15-73615577-C-T.
Other names: short protein forms G953R.
Identifiers: ClinVar variation 4849137 (VCV004849137.1).